The following is an entry in ClinVar:

NM_000512.5(GALNS):c.860C>T (p.Ser287Leu)

Gene: GALNS (galactosamine (N-acetyl)-6-sulfatase; minus strand). Cytogenetic location: 16q24.3.
Variant type: single nucleotide variant.
Coding change: c.860C>T on transcript NM_000512.5 (MANE Select); coding-DNA position 860, C replaced by T.
Protein change: p.Ser287Leu; replaces serine 287 with leucine.
Molecular consequence: missense variant.
Genome position (GRCh38, 1-based): chr16:88,835,251, G>A on the plus strand (C>T on the coding strand, the complement: GALNS is on the minus strand). VCF-style: chr16-88835251-G-A. GRCh37 (hg19) VCF-style: chr16-88901659-G-A.
Other names: c.305C>T, p.Ser102Leu (NM_001323543.2); c.878C>T, p.Ser293Leu (NM_001323544.2); short protein forms S287L, S102L, S293L.
Identifiers: ClinVar variation 265169 (VCV000265169.70), dbSNP rs770053354, ClinGen allele CA8234955.

ClinVar aggregate classification (germline): Pathogenic/Likely pathogenic. Review status: criteria provided, multiple submitters, no conflicts (2 of 4 stars). 14 submissions from 14 submitters: Pathogenic (12); Likely pathogenic (1). 1 of the submissions does not count toward it. Last evaluated 2024-07-26.

Conditions:
GALNS-related disorders.
Morquio syndrome. Also called: Mucopolysaccharidosis, Type IV; MPS IV; Mucopolysaccharidosis type 4; Eccentrochondrodysplasia. Identifiers: Orphanet 582, MedGen C0026707, MONDO:0018938.
Mucopolysaccharidosis, MPS-IV-A (MPS4A). Also called: GALACTOSAMINE-6-SULFATASE DEFICIENCY; GALNS DEFICIENCY; Mucopolysaccharidosis Type IVA; Morquio syndrome A, mild; MORQUIO SYNDROME A; Mucopolysaccharidosis type IV A. Identifiers: Orphanet 309297, Orphanet 582, MedGen C0086651, MONDO:0009659, OMIM 253000.

Allele frequency attached by ClinVar (database versions not stated): gnomAD exomes 0.00001 and 0.00002; TOPMed 0.00002; ExAC 0.00003.
gnomAD v4.1: 14 of 1,606,430 alleles (0.00087%); highest among the groups gnomAD compares: Admixed American, 0.0017%; no homozygotes.

Submissions (14):

Labcorp Genetics (formerly Invitae), Labcorp
Classification: Pathogenic for Mucopolysaccharidosis, MPS-IV-A. Last evaluated: 2024-07-26. Review status: criteria provided, single submitter. Criteria: Invitae Variant Classification Sherloc (09022015). Collection method: clinical testing. Allele origin: germline.
Comment: This sequence change replaces serine, which is neutral and polar, with leucine, which is neutral and non-polar, at codon 287 of the GALNS protein (p.Ser287Leu). This variant is present in population databases (rs770053354, gnomAD 0.003%). This missense change has been observed in individual(s) with mucopolysaccharidosis IV type A (PMID: 9298823, 15235041, 16287098, 23876334, 25252036, 29731656). In at least one individual the data is consistent with being in trans (on the opposite chromosome) from a pathogenic variant. ClinVar contains an entry for this variant (Variation ID: 265169). Advanced modeling of protein sequence and biophysical properties (such as structural, functional, and spatial information, amino acid conservation, physicochemical variation, residue mobility, and thermodynamic stability) performed at Invitae indicates that this missense variant is expected to disrupt GALNS protein function with a positive predictive value of 95%. For these reasons, this variant has been classified as Pathogenic.

Genomic Medicine Center of Excellence, King Faisal Specialist Hospital and Research Centre
Classification: Pathogenic for Mucopolysaccharidosis, MPS-IV-A. Last evaluated: 2024-03-14. Review status: criteria provided, single submitter. Criteria: ACMG Guidelines, 2015. Collection method: research. Allele origin: germline.

Fulgent Genetics
Classification: Pathogenic for Mucopolysaccharidosis, MPS-IV-A. Last evaluated: 2024-01-31. Review status: criteria provided, single submitter. Criteria: ACMG Guidelines, 2015. Collection method: clinical testing. Allele origin: germline.

Blueprint Genetics
Classification: Pathogenic for GALNS-related disorders. Last evaluated: 2023-08-18. Review status: criteria provided, single submitter. Criteria: ACMG Guidelines, 2015. Collection method: clinical testing. Allele origin: germline. Affected: yes. Observed: 5 variant alleles.

Laboratory for Molecular Medicine, Mass General Brigham Personalized Medicine
Classification: Likely pathogenic for Morquio syndrome. Last evaluated: 2022-11-03. Review status: criteria provided, single submitter. Criteria: ACMG Guidelines, 2015. Collection method: clinical testing. Allele origin: germline.
Comment: The p.Ser287Leu variant in GALNS has been reported in at least 2 homozygous and 2 compound heterozygous individuals with severe mucopolysaccharidosis IVa (Bunge 1997 PMID: 9298823, Tuysuz 2019 PMID: 30980944, Zanetti 2020 PMID: 32036093). It has also been reported in ClinVar (Variation ID 265169) and identified in 1/41450 African chromosomes by gnomAD. Computational prediction tools and conservation analyses suggest that this variant may impact the protein, though this information is not predictive enough to determine pathogenicity. Mapping of the variant to the X-ray crystallography structure of the GALNS protein found that this variant is buried within the protein and likely results in loss of proper hydrogen bonding (Rivera-Colon 2012 PMID: 22940367). In summary, this variant meets criteria to be classified as Likely pathogenic for autosomal recessive mucopolysaccharidosis IVa. ACMG/AMP Criteria applied: PM3_Strong, PM2_Supporting, PP3, PS3_Supporting, PP4.

Revvity Omics, Revvity
Classification: Pathogenic for Mucopolysaccharidosis, MPS-IV-A. Last evaluated: 2022-06-10. Review status: criteria provided, single submitter. Criteria: ACMG Guidelines, 2015. Collection method: clinical testing. Allele origin: germline.

Genome-Nilou Lab
Classification: Pathogenic for Mucopolysaccharidosis, MPS-IV-A. Last evaluated: 2021-11-07. Review status: criteria provided, single submitter. Criteria: ACMG Guidelines, 2015. Collection method: clinical testing. Allele origin: germline. Affected: no.

Laboratory of Diagnosis and Therapy of Lysosomal Disorders, University of Padova
Classification: Pathogenic for Mucopolysaccharidosis, MPS-IV-A. Last evaluated: 2021-02-01. Review status: criteria provided, single submitter. Criteria: ACMG Guidelines, 2015. Collection method: research. Allele origin: germline. Affected: yes.
Comment: In vivo functional studies supportive of a damaging effect on the gene product (low to null enzymatic activity in homozygotes; PS3_strong); the prevalence of the variant in affected individuals is significantly increased compared with the prevalence in controls (PS4_strong); very low frequency in gnomAD v2.1.1 (PM2_moderate); multiple lines of computational evidence support a deleterious effect on the gene (PP3_supporting)

Centre for Mendelian Genomics, University Medical Centre Ljubljana
Classification: Pathogenic for Mucopolysaccharidosis, MPS-IV-A. Last evaluated: 2018-11-14. Review status: criteria provided, single submitter. Criteria: ACMG Guidelines, 2015. Collection method: clinical testing. Allele origin: unknown. Affected: yes.
Comment: This variant was classified as: Pathogenic. The following ACMG criteria were applied in classifying this variant: PS1,PM2,PM3,PP2,PP3.

CeGaT Center for Human Genetics Tuebingen
Classification: Pathogenic. Last evaluated: 2016-12-01. Review status: criteria provided, single submitter. Criteria: CeGaT Center For Human Genetics Tuebingen Variant Classification Criteria Version 2. Collection method: clinical testing. Allele origin: germline. Affected: yes. Observed: 1 variant allele.

GeneDx
Classification: Pathogenic. Last evaluated: 2015-03-16. Review status: criteria provided, single submitter. Criteria: GeneDx Variant Classification (06012015). Collection method: clinical testing. Allele origin: germline. Affected: yes.
Comment: The S287L missense variant has been reported previously in association with MPS IVA in a patient with a severe MPS IVA phenotype who was homozygous for the S287L variant (Bunge et al., 1997). Mapping of the S287L variant to the X-ray crystallography structure of the GALNS protein found that this variant is buried within the protein and likely results in loss of proper hydrogen bonding (Rivera-Colon et al., 2012). Furthermore, S287L is a non-conservative amino acid substitution, which occurs at a position that is highly conserved across species, and missense variants in nearby residues (F284V, N289D, N289S, G290R, G290S) have also been reported in the Human Gene Mutation Database in association with MPS IVA (Stenson et al., 2014), further supporting the functional importance of this region of the protein. Therefore, we interpret S287L to be a pathogenic variant.

Institute for Medical Genetics and Human Genetics, Charité - Universitätsmedizin Berlin
Classification: Pathogenic. Review status: criteria provided, single submitter. Criteria: ACMG Guidelines, 2015. Collection method: not provided. Allele origin: germline. Inheritance: Autosomal recessive inheritance. Affected: yes.

Neuberg Centre For Genomic Medicine, NCGM
Classification: Pathogenic for Mucopolysaccharidosis, MPS-IV-A. Review status: criteria provided, single submitter. Criteria: ACMG Guidelines, 2015. Collection method: clinical testing. Allele origin: germline. Inheritance: Autosomal recessive inheritance. Affected: yes.
Comment: The missense c.860C>T (p.Ser287Leu) variant in the GALNS gene has been observed in individual(s) with mucopolysaccharidosis IV type A (Tomatsu, Shunji et al., 2005). Mapping of the p.Ser287Leu variant to the X-ray crystallography structure of the GALNS protein found that this variant is buried within the protein and likely results in loss of proper hydrogen bonding (Rivera-Colon et al., 2012). This variant is reported with the allele frequency (0.001%) in the gnomAD Exomes and novel in 1000 Genomes. This variant has been reported to the ClinVar database as Pathogenic (multiple submissions). The amino acid Serine at position 287 is changed to a Leucine changing protein sequence and it might alter its composition and physico-chemical properties. The variant is predicted as damaging by SIFT. The amino acid change p.Ser287Leu in GALNS is predicted as conserved by GERP++ and PhyloP across 100 vertebrates. For these reasons, this variant has been classified as Pathogenic.

Biochemical Molecular Genetic Laboratory, King Abdulaziz Medical City
Classification: Pathogenic for Mucopolysaccharidosis, MPS-IV-A. Last evaluated: 2020-02-05. Review status: no assertion criteria provided. Collection method: clinical testing. Allele origin: germline. Affected: yes. Not counted in ClinVar's aggregate classification.

Literature cited by the submitters: PubMed 9298823 (cited by Labcorp Genetics (formerly Invitae), Labcorp and Laboratory of Diagnosis and Therapy of Lysosomal Disorders, University of Padova); PubMed 15235041 (cited by Labcorp Genetics (formerly Invitae), Labcorp and Laboratory of Diagnosis and Therapy of Lysosomal Disorders, University of Padova); PubMed 16287098 (cited by Labcorp Genetics (formerly Invitae), Labcorp and Laboratory of Diagnosis and Therapy of Lysosomal Disorders, University of Padova); PubMed 23876334 (cited by Labcorp Genetics (formerly Invitae), Labcorp and Laboratory of Diagnosis and Therapy of Lysosomal Disorders, University of Padova); PubMed 25252036 (cited by Labcorp Genetics (formerly Invitae), Labcorp and Laboratory of Diagnosis and Therapy of Lysosomal Disorders, University of Padova); PubMed 29731656 (cited by Labcorp Genetics (formerly Invitae), Labcorp and Laboratory of Diagnosis and Therapy of Lysosomal Disorders, University of Padova); PubMed 22521955 (cited by Laboratory of Diagnosis and Therapy of Lysosomal Disorders, University of Padova); PubMed 24726177 (cited by Laboratory of Diagnosis and Therapy of Lysosomal Disorders, University of Padova); PubMed 25545067 (cited by Laboratory of Diagnosis and Therapy of Lysosomal Disorders, University of Padova); PubMed 26147980 (cited by Laboratory of Diagnosis and Therapy of Lysosomal Disorders, University of Padova); PubMed 30980944 (cited by Laboratory of Diagnosis and Therapy of Lysosomal Disorders, University of Padova); PubMed 34387910 (cited by Laboratory of Diagnosis and Therapy of Lysosomal Disorders, University of Padova).